The following is an entry in ClinVar:

NM_001371596.2(MFSD8):c.173T>C (p.Met58Thr)

Gene: MFSD8 (major facilitator superfamily domain containing 8; minus strand). Cytogenetic location: 4q28.2.
Variant type: single nucleotide variant.
Coding change: c.173T>C on transcript NM_001371596.2 (MANE Select); coding-DNA position 173, T replaced by C.
Protein change: p.Met58Thr; replaces methionine 58 with threonine.
Molecular consequence: missense variant.
Genome position (GRCh38, 1-based): chr4:127,949,829, A>G on the plus strand (T>C on the coding strand, the complement: MFSD8 is on the minus strand). VCF-style: chr4-127949829-A-G. GRCh37 (hg19) VCF-style: chr4-128870984-A-G.
Other names: c.173T>C, p.Met58Thr (NM_001363520.3, NM_001363521.3, NM_001371591.2 and 5 more transcripts); c.38T>C, p.Met13Thr (NM_001371590.2, NM_001371595.1, NM_001410765.1); short protein forms M58T, M13T.
Identifiers: ClinVar variation 645524 (VCV000645524.3), dbSNP rs1578944380, ClinGen allele CA358178380.

ClinVar aggregate classification (germline): Uncertain significance (1 of 4 stars; one submission).

Conditions:
Neuronal ceroid lipofuscinosis 7 (CLN7). Also called: MFSD8-Related Neuronal Ceroid-Lipofuscinosis. Identifiers: Orphanet 168491, Orphanet 228366, MedGen C1838571, MONDO:0012588, OMIM 610951.

Submission:

Labcorp Genetics (formerly Invitae), Labcorp
Classification: Uncertain significance for Ceroid lipofuscinosis neuronal 7. Last evaluated: 2018-11-09. Review status: criteria provided, single submitter. Criteria: Invitae Variant Classification Sherloc (09022015). Collection method: clinical testing. Allele origin: germline.
Comment: This sequence change replaces methionine with threonine at codon 58 of the MFSD8 protein (p.Met58Thr). The methionine residue is moderately conserved and there is a moderate physicochemical difference between methionine and threonine. This variant is not present in population databases (ExAC no frequency). This variant has not been reported in the literature in individuals with MFSD8-related disease. Algorithms developed to predict the effect of missense changes on protein structure and function (SIFT, PolyPhen-2, Align-GVGD) all suggest that this variant is likely to be tolerated, but these predictions have not been confirmed by published functional studies and their clinical significance is uncertain. In summary, the available evidence is currently insufficient to determine the role of this variant in disease. Therefore, it has been classified as a Variant of Uncertain Significance.